The following is an entry in ClinVar:

ClinVar aggregate classification (germline): Pathogenic (1 of 4 stars; one submission).

Conditions:
Parathyroid carcinoma (PRTC). Also called: Parathyroid gland carcinoma; CDC73-Related Parathyroid Carcinoma. Identifiers: Orphanet 143, MedGen C0687150, MONDO:0012004, OMIM 608266, HP:0006780.

Submission:

Labcorp Genetics (formerly Invitae), Labcorp
Classification: Pathogenic for Parathyroid carcinoma. Last evaluated: 2022-12-10. Review status: criteria provided, single submitter. Criteria: Invitae Variant Classification Sherloc (09022015). Collection method: clinical testing. Allele origin: germline.
Comment: For these reasons, this variant has been classified as Pathogenic. This variant has not been reported in the literature in individuals affected with CDC73-related conditions. This variant is not present in population databases (gnomAD no frequency). This sequence change creates a premature translational stop signal (p.Gln413Alafs*8) in the CDC73 gene. It is expected to result in an absent or disrupted protein product. Loss-of-function variants in CDC73 are known to be pathogenic (PMID: 12434154).

Literature cited by the submitters: PubMed 12434154.

NM_024529.5(CDC73):c.1236dup (p.Gln413fs)

Gene: CDC73 (cell division cycle 73; plus strand). Cytogenetic location: 1q31.2.
Variant type: Duplication.
Coding change: c.1236dup on transcript NM_024529.5 (MANE Select); coding-DNA position 1236, one base duplicated (G; older notation c.1236dupG).
Protein change: p.Gln413fs; shifts the reading frame from glutamine 413.
Molecular consequence: frameshift variant.
Genome position (GRCh38, 1-based): chr1:193,233,074, G duplicated. VCF-style (leftmost placement, unchanged base first): chr1-193233073-T-TG. GRCh37 (hg19) VCF-style: chr1-193202203-T-TG.
Other names: short protein forms Q413fs.
Identifiers: ClinVar variation 2819807 (VCV002819807.3), dbSNP rs2527493958, ClinGen allele CA2739275508.